The following is an entry in ClinVar:

ClinVar aggregate classification (germline): Uncertain significance (1 of 4 stars; one submission).

Allele frequency attached by ClinVar (database versions not stated): gnomAD 0.00001.
gnomAD v4.1: 5 of 1,613,986 alleles (0.00031%); highest among the groups gnomAD compares: Middle Eastern, 0.016%; no homozygotes.

Submission:

Labcorp Genetics (formerly Invitae), Labcorp
Classification: Uncertain significance. Last evaluated: 2022-06-07. Review status: criteria provided, single submitter. Criteria: Invitae Variant Classification Sherloc (09022015). Collection method: clinical testing. Allele origin: germline.
Comment: This sequence change replaces serine, which is neutral and polar, with phenylalanine, which is neutral and non-polar, at codon 1692 of the PCDH15 protein (p.Ser1692Phe). This variant is not present in population databases (gnomAD no frequency). This variant has not been reported in the literature in individuals affected with PCDH15-related conditions. Algorithms developed to predict the effect of missense changes on protein structure and function are either unavailable or do not agree on the potential impact of this missense change (SIFT: "Deleterious"; PolyPhen-2: "Possibly Damaging"; Align-GVGD: "Class C0"). In summary, the available evidence is currently insufficient to determine the role of this variant in disease. Therefore, it has been classified as a Variant of Uncertain Significance.

NM_033056.4(PCDH15):c.5075C>T (p.Ser1692Phe)

Gene: PCDH15 (protocadherin related 15; minus strand). Cytogenetic location: 10q21.1.
Variant type: single nucleotide variant.
Coding change: c.5075C>T on transcript NM_033056.4 (MANE Plus Clinical); coding-DNA position 5075, C replaced by T.
Protein change: p.Ser1692Phe; replaces serine 1692 with phenylalanine.
Molecular consequence: missense variant. On other transcripts: intron variant (8).
Genome position (GRCh38, 1-based): chr10:53,822,651, G>A on the plus strand (C>T on the coding strand, the complement: PCDH15 is on the minus strand). VCF-style: chr10-53822651-G-A. GRCh37 (hg19) VCF-style: chr10-55582411-G-A.
Other names: c.5096C>T, p.Ser1699Phe (NM_001142763.2); c.5081C>T, p.Ser1694Phe (NM_001142764.2); c.4868C>T, p.Ser1623Phe (NM_001142765.2); c.5066C>T, p.Ser1689Phe (NM_001142766.2); c.4955C>T, p.Ser1652Phe (NM_001142767.2); c.5015C>T, p.Ser1672Phe (NM_001142768.2); c.5006C>T, p.Ser1669Phe (NM_001142773.2); c.5009C>T, p.Ser1670Phe (NM_001354404.2); and 7 more; short protein forms S1670F, S1692F, S1623F, S1652F, S1672F, S1699F, S1669F, S1689F.
Identifiers: ClinVar variation 2201946 (VCV002201946.1), dbSNP rs747927680, ClinGen allele CA376525916.